The following is an entry in ClinVar:

NM_000170.3(GLDC):c.1822_1832del (p.Tyr608fs)

Gene: GLDC (glycine decarboxylase; minus strand). Cytogenetic location: 9p24.1.
Variant type: Deletion.
Coding change: c.1822_1832del on transcript NM_000170.3 (MANE Select); coding-DNA positions 1822 to 1832, 11 bases deleted (TATGACCAGGT).
Protein change: p.Tyr608fs; shifts the reading frame from tyrosine 608.
Molecular consequence: frameshift variant.
Genome position (GRCh38, 1-based): chr9:6,587,159-6,587,169, ACCTGGTCATA deleted on the plus strand (TATGACCAGGT on the coding strand, the reverse complement: GLDC is on the minus strand); deleting any 11 consecutive bases within chr9:6,587,159-6,587,174 gives the same sequence; the c. name uses the placement nearest the transcript's 3' end. VCF-style (leftmost placement, unchanged base first): chr9-6587158-GACCTGGTCATA-G. GRCh37 (hg19) VCF-style: chr9-6587158-GACCTGGTCATA-G.
Other names: c.1822_1832delTATGACCAGGT (NM_000170.2); short protein forms Y608fs.
Identifiers: ClinVar variation 56051 (VCV000056051.2), dbSNP rs386833532, ClinGen allele CA263314.

ClinVar aggregate classification (germline): Likely pathogenic (0 of 4 stars; one submission).

Conditions:
Glycine encephalopathy. Also called: Nonketotic hyperglycinemia; Non-ketotic hyperglycinemia. Identifiers: Orphanet 407, MedGen C0751748, MONDO:0011612, HP:0008288.

Submission:

Juha Muilu Group; Institute for Molecular Medicine Finland (FIMM)
Classification: Likely pathogenic for Non-ketotic hyperglycinemia. Review status: no assertion criteria provided. Collection method: not provided. Allele origin: unknown.
Comment: FinDis database variant: This variant was not found or characterized by our laboratory, data were collected from public sources: see reference
ClinVar note: Converted during submission from probable-pathogenic to Likely pathogenic.